The following is an entry in ClinVar:

NM_001366521.1(ATP2B1):c.3351+461G>T

Gene: ATP2B1 (ATPase plasma membrane Ca2+ transporting 1; minus strand). Cytogenetic location: 12q21.33.
Variant type: single nucleotide variant.
Coding change: c.3351+461G>T on transcript NM_001366521.1 (MANE Select); 461 bases into the intron after coding-DNA position 3351, G replaced by T.
Molecular consequence: intron variant. On other transcripts: splice donor variant (2), missense variant (9).
Genome position (GRCh38, 1-based): chr12:89,598,656, C>A on the plus strand (G>T on the coding strand, the complement: ATP2B1 is on the minus strand). VCF-style: chr12-89598656-C-A. GRCh37 (hg19) VCF-style: chr12-89992433-C-A.
Other names: c.3351+461G>T (NM_001413047.1, NM_001366520.1, NM_001413046.1 and 2 more transcripts); c.2898+461G>T (NM_001413057.1); c.2790+461G>T (NM_001413058.1, NM_001413059.1, NM_001413060.1); c.3102+461G>T (NM_001413055.1); c.3210+461G>T (NM_001413052.1, NM_001413051.1); c.3243+461G>T (NM_001413049.1, NM_001413050.1); c.3438+1G>T (NM_001366525.1, NM_001366524.1); c.3439G>T, p.Val1147Leu (NM_001001323.2, NM_001366523.1, NM_001366526.1 and 1 more transcripts); and 7 more; short protein forms V1081L, V1111L, V1147L, V960L.
Identifiers: ClinVar variation 5037587 (VCV005037587.1).

ClinVar aggregate classification (germline): Uncertain significance (1 of 4 stars; one submission).

Submission:

GeneDx
Classification: Uncertain significance. Last evaluated: 2026-04-24. Review status: criteria provided, single submitter. Criteria: GeneDx Variant Classification Process June 2021. Collection method: clinical testing. Allele origin: germline.
Comment: Not observed at significant frequency in large population cohorts (gnomAD); In silico analysis suggests that this missense variant does not alter protein structure/function; Has not been previously published as pathogenic or benign to our knowledge; Reported using an alternate transcript of the gene